The following is an entry in ClinVar:

NM_001009944.3(PKD1):c.7489+5G>A

Gene: PKD1 (polycystin 1, transient receptor potential channel interacting; minus strand). Cytogenetic location: 16p13.3.
Variant type: single nucleotide variant.
Coding change: c.7489+5G>A on transcript NM_001009944.3 (MANE Select); 5 bases into the intron after coding-DNA position 7489, G replaced by A.
Molecular consequence: intron variant.
Genome position (GRCh38, 1-based): chr16:2,106,393, C>T on the plus strand (G>A on the coding strand, the complement: PKD1 is on the minus strand). VCF-style: chr16-2106393-C-T. GRCh37 (hg19) VCF-style: chr16-2156394-C-T.
Other names: c.7489+5G>A (NM_000296.4).
Identifiers: ClinVar variation 972832 (VCV000972832.10), dbSNP rs2092337963, ClinGen allele CA1139664384.

ClinVar aggregate classification (germline): Pathogenic/Likely pathogenic. Review status: criteria provided, multiple submitters, no conflicts (2 of 4 stars). 6 submissions from 5 submitters: Pathogenic (3); Likely pathogenic (2). 1 of the submissions does not count toward it. Last evaluated 2026-01-30.

Conditions:
Autosomal dominant polycystic kidney disease. Identifiers: Orphanet 730, MedGen C0085413, MONDO:0004691.
Polycystic kidney disease, adult type (PKD1). Also called: Polycystic Kidney, Autosomal Dominant; Polycystic Kidney Disease 1, Autosomal Dominant; Polycystic kidney disease 1; Polycystic kidney disease 1, severe; POLYCYSTIC KIDNEY DISEASE 1 WITH OR WITHOUT POLYCYSTIC LIVER DISEASE; POLYCYSTIC KIDNEY DISEASE, ADULT, TYPE I. Identifiers: MedGen C3149841, MONDO:0008263, OMIM 173900.
PKD1-related disorder. Also called: PKD1-related condition.

Submissions (6):

PreventionGenetics, part of Exact Sciences
Classification: Pathogenic for PKD1-related condition. Last evaluated: 2026-01-30. Review status: criteria provided, single submitter. Criteria: ACMG Guidelines, 2015. Collection method: clinical testing. Allele origin: germline.
Comment: The PKD1 c.7489+5G>A variant is predicted to interfere with splicing. This variant is predicted to alter splicing based on available splicing prediction programs (Alamut Visual Plus v1.6.1; SpliceAI, Jaganathan et al. 2019. PubMed ID: 30661751). This variant has been reported in individuals with polycystic kidney disease (Table S3, Mallawaarachchi et al. 2021. PubMed ID: 33437033; Table 1 and Supplementary Table 2, Hort et al. 2023. PubMed ID: 37419908). RNA studies have demonstrated that this variant results in abnormal splicing and a frameshift effect (Supplementary Fig. 2, Hort et al. 2023. PubMed ID: 37419908). This variant has not been reported in a large population database (gnomAD), indicating this variant is rare. This variant is interpreted as pathogenic.

Fulgent Genetics
Classification: Pathogenic for Polycystic kidney disease, adult type. Last evaluated: 2024-02-14. Review status: criteria provided, single submitter. Criteria: ACMG Guidelines, 2015. Collection method: clinical testing. Allele origin: germline.

Victorian Clinical Genetics Services, Murdoch Childrens Research Institute
Classification: Likely pathogenic for Polycystic kidney disease, adult type. Last evaluated: 2023-07-17. Review status: criteria provided, single submitter. Criteria: ACMG Guidelines, 2015. Collection method: clinical testing. Allele origin: germline. Inheritance: Autosomal dominant inheritance. Affected: yes.
Comment: Based on the classification scheme VCGS_Germline_v1.3.4, this variant is classified as Likely pathogenic: Following criteria are met: 0102 - Loss of function is a known mechanism of disease in this gene and is associated with polycystic kidney disease 1 (MIM#173900). (I) 0107 - This gene is associated with autosomal dominant disease. Polycystic kidney disease 1 (MIM#173900) is predominantly caused by monoallelic variants, with rare reports of biallelic variants causing disease (OMIM). (I) 0209 - Splice site variant proven to affect splicing of the transcript with uncertain effect on protein sequence. RT-PCR studies showed abnormal splicing of intron 18 in the sample from this individual, consistent with a retention of 93 base pairs of intron 18 which is predicted to result in nonsense-mediated decay (NMD) (unpublished research data from Garvan Institute of Medical Research). (SP) 0251 - This variant is heterozygous. (I) 0301 - Variant is absent from gnomAD (both v2 and v3). (SP) 0505 - Abnormal splicing is predicted by in silico tools and affected nucleotide is highly conserved. (SP) 0705 - No comparable splice site variants have previous evidence for pathogenicity. (I) 0809 - Previous evidence of pathogenicity for this variant is inconclusive. This variant has been reported as a VUS in an individual with typical ADPKD (PMID: 33437033, ClinVar). (I) 0905 - No published segregation evidence has been identified for this variant. (I) 1207 - Parental origin of the variant is unresolved. (I) Legend: (SP) - Supporting pathogenic, (I) - Information, (SB) - Supporting benign

Molecular Genetics of Inherited Kidney Disorders Laboratory, Garvan Institute of Medical Research
Classification: Likely pathogenic for Autosomal dominant polycystic kidney disease. Last evaluated: 2022-11-20. Review status: criteria provided, single submitter. Criteria: ACMG Guidelines, 2015. Collection method: research. Allele origin: germline. Affected: yes.

Juno Genomics, Hangzhou Juno Genomics, Inc
Classification: Pathogenic for Polycystic kidney disease, adult type. Review status: criteria provided, single submitter. Criteria: ACMG Guidelines, 2015. Collection method: clinical testing. Allele origin: germline. Affected: yes.
Comment: Absent from controls (or at extremely low frequency if recessive) in Genome Aggregation Database, Exome Sequencing Project, 1000 Genomes Project, or Exome Aggregation Consortium.;Null variant in a gene where loss of function (LOF) is a known mechanism of disease.;The prevalence of the variant in affected individuals is significantly increased compared to the prevalence in controls.;Patient's phenotype or family history is highly specific for a disease with a single genetic etiology.

Molecular Genetics of Inherited Kidney Disorders Laboratory, Garvan Institute of Medical Research
Classification: Uncertain significance. Last evaluated: 2019-01-01. Review status: flagged submission. Criteria: ACMG Guidelines, 2015. Collection method: clinical testing. Allele origin: germline. Affected: yes. Not counted in ClinVar's aggregate classification.
ClinVar note: Reason: This record appears to be redundant with a more recent record from the same submitter.
ClinVar note: Notes: SCV001422330 appears to be redundant with SCV001430288.

Literature cited by the submitters: PubMed 33437033 (cited by Victorian Clinical Genetics Services, Murdoch Childrens Research Institute).